The following is an entry in ClinVar:

NM_001349253.2(SCN11A):c.3264A>C (p.Glu1088Asp)

Gene: SCN11A (sodium voltage-gated channel alpha subunit 11; minus strand). Cytogenetic location: 3p22.2.
Variant type: single nucleotide variant.
Coding change: c.3264A>C on transcript NM_001349253.2 (MANE Select); coding-DNA position 3264, A replaced by C.
Protein change: p.Glu1088Asp; replaces glutamic acid 1088 with aspartic acid.
Molecular consequence: missense variant.
Genome position (GRCh38, 1-based): chr3:38,880,079, T>G on the plus strand (A>C on the coding strand, the complement: SCN11A is on the minus strand). VCF-style: chr3-38880079-T-G. GRCh37 (hg19) VCF-style: chr3-38921570-T-G.
Other names: c.3264A>C, p.Glu1088Asp (NM_014139.3); short protein forms E1088D.
Identifiers: ClinVar variation 2931987 (VCV002931987.3), dbSNP rs368081407, ClinGen allele CA2321831.

ClinVar aggregate classification (germline): Uncertain significance (1 of 4 stars; one submission).

Conditions:
Hereditary sensory and autonomic neuropathy type 7. Also called: Neuropathy, hereditary sensory and autonomic, type VII; HSAN VII. Identifiers: Orphanet 391397, MedGen C3809882, MONDO:0014244, OMIM 615548.
Familial episodic pain syndrome with predominantly lower limb involvement. Also called: Episodic pain syndrome, familial, 3. Identifiers: Orphanet 391384, Orphanet 391392, MedGen C3809899, MONDO:0014247, OMIM 615552.

Allele frequency attached by ClinVar (database versions not stated): ExAC 0.00001; gnomAD exomes 0.00001; ESP Exome Variant Server 0.00008.

Submission:

Labcorp Genetics (formerly Invitae), Labcorp
Classification: Uncertain significance for Familial episodic pain syndrome with predominantly lower limb involvement; Hereditary sensory and autonomic neuropathy type 7. Last evaluated: 2022-12-18. Review status: criteria provided, single submitter. Criteria: Invitae Variant Classification Sherloc (09022015). Collection method: clinical testing. Allele origin: germline.
Comment: In summary, the available evidence is currently insufficient to determine the role of this variant in disease. Therefore, it has been classified as a Variant of Uncertain Significance. This sequence change replaces glutamic acid, which is acidic and polar, with aspartic acid, which is acidic and polar, at codon 1088 of the SCN11A protein (p.Glu1088Asp). This variant is present in population databases (rs368081407, gnomAD 0.002%). This variant has not been reported in the literature in individuals affected with SCN11A-related conditions. Advanced modeling of protein sequence and biophysical properties (such as structural, functional, and spatial information, amino acid conservation, physicochemical variation, residue mobility, and thermodynamic stability) performed at Invitae indicates that this missense variant is not expected to disrupt SCN11A protein function.